The following is an entry in ClinVar:

NM_002617.4(PEX10):c.601-1G>C

Gene: PEX10 (peroxisomal biogenesis factor 10; minus strand). Cytogenetic location: 1p36.32.
Variant type: single nucleotide variant.
Coding change: c.601-1G>C on transcript NM_002617.4 (MANE Select); the canonical splice acceptor site of the intron before coding-DNA position 601, G replaced by C.
Molecular consequence: splice acceptor variant. On other transcripts: missense variant (3).
Genome position (GRCh38, 1-based): chr1:2,406,896, C>G on the plus strand (G>C on the coding strand, the complement: PEX10 is on the minus strand). VCF-style: chr1-2406896-C-G. GRCh37 (hg19) VCF-style: chr1-2338335-C-G.
Other names: c.657G>C, p.Gln219His (NM_001374425.1); c.225G>C, p.Gln75His (NM_001374426.1); c.660G>C, p.Gln220His (NM_153818.2); c.169-1G>C (NM_001374427.1); short protein forms Q219H, Q220H, Q75H.
Identifiers: ClinVar variation 2013258 (VCV002013258.4), dbSNP rs2522261152, ClinGen allele CA337985794.

ClinVar aggregate classification (germline): Uncertain significance (1 of 4 stars; one submission).

Conditions:
Peroxisome biogenesis disorder, complementation group 7 (CG7). Also called: Peroxisome biogenesis disorder, complementation group B. Identifiers: MedGen C1864399.

Submission:

Labcorp Genetics (formerly Invitae), Labcorp
Classification: Uncertain significance for Peroxisome biogenesis disorder, complementation group 7. Last evaluated: 2022-07-02. Review status: criteria provided, single submitter. Criteria: Invitae Variant Classification Sherloc (09022015). Collection method: clinical testing. Allele origin: germline.
Comment: In summary, the available evidence is currently insufficient to determine the role of this variant in disease. Therefore, it has been classified as a Variant of Uncertain Significance. Algorithms developed to predict the effect of sequence changes on RNA splicing suggest that this variant may disrupt the consensus splice site. Algorithms developed to predict the effect of missense changes on protein structure and function are either unavailable or do not agree on the potential impact of this missense change (SIFT: "Deleterious"; PolyPhen-2: "Benign"; Align-GVGD: "Class C0"). This variant has not been reported in the literature in individuals affected with PEX10-related conditions. This variant is not present in population databases (gnomAD no frequency). This sequence change replaces glutamine, which is neutral and polar, with histidine, which is basic and polar, at codon 220 of the PEX10 protein (p.Gln220His).